The following is an entry in ClinVar:

ClinVar aggregate classification (germline): Benign (0 of 4 stars; one submission).

Conditions:
PCBP3-related disorder. Also called: PCBP3-related condition.

Allele frequency attached by ClinVar (database versions not stated): gnomAD exomes 0.39392; gnomAD 0.47419; 1000 Genomes Project 0.47804; 1000 Genomes Project 30x 0.48345; TOPMed 0.49078.
gnomAD v4.1: 97,612 of 216,964 alleles (45%); highest among the groups gnomAD compares: African/African-American, 73%; 24,459 homozygotes.

Submission:

PreventionGenetics, part of Exact Sciences
Classification: Benign for PCBP3-related condition. Last evaluated: 2019-10-30. Review status: no assertion criteria provided. Collection method: clinical testing. Allele origin: germline.
Comment: This variant is classified as benign based on ACMG/AMP sequence variant interpretation guidelines (Richards et al. 2015 PMID: 25741868, with internal and published modifications).

NM_001384156.1(PCBP3):c.675+475C>T

Gene: PCBP3 (poly(rC) binding protein 3; plus strand). Cytogenetic location: 21q22.3.
Variant type: single nucleotide variant.
Coding change: c.675+475C>T on transcript NM_001384156.1 (MANE Select); 475 bases into the intron after coding-DNA position 675, C replaced by T.
Molecular consequence: intron variant. On other transcripts: nonsense (1).
Genome position (GRCh38, 1-based): chr21:45,914,500, C>T. VCF-style: chr21-45914500-C-T. GRCh37 (hg19) VCF-style: chr21-47334414-C-T.
Other names: c.667C>T, p.Arg223Ter (NM_001348241.2); c.675+475C>T (NM_001382284.1, NM_001382286.1, NM_001382285.1 and 11 more transcripts); c.579+475C>T (NM_001348242.2, NM_001382276.1); c.744+406C>T (NM_001348239.2, NM_001348240.2, NM_001382279.1 and 1 more transcripts); c.601-3088C>T (NM_001130141.2); short protein forms R223*.
Identifiers: ClinVar variation 3060839 (VCV003060839.2), dbSNP rs440207, ClinGen allele CA14894494.